The following is an entry in ClinVar:

NM_183381.3(RNF13):c.797G>A (p.Cys266Tyr)

Gene: RNF13 (ring finger protein 13; plus strand). Cytogenetic location: 3q25.1.
Variant type: single nucleotide variant.
Coding change: c.797G>A on transcript NM_183381.3 (MANE Select); coding-DNA position 797, G replaced by A.
Protein change: p.Cys266Tyr; replaces cysteine 266 with tyrosine.
Molecular consequence: missense variant. On other transcripts: non-coding transcript variant (1).
Genome position (GRCh38, 1-based): chr3:149,960,755, G>A. VCF-style: chr3-149960755-G-A. GRCh37 (hg19) VCF-style: chr3-149678542-G-A.
Other names: c.797G>A, p.Cys266Tyr (NM_001378285.1, NM_001378286.1, NM_007282.4); c.440G>A, p.Cys147Tyr (NM_001378287.1, NM_001378288.1, NM_001378289.1 and 2 more transcripts); c.404G>A, p.Cys135Tyr (NM_001378291.1); short protein forms C135Y, C266Y, C147Y.
Identifiers: ClinVar variation 3658760 (VCV003658760.2).
Genomic context (GRCh38, chr3:149,960,755, plus strand): 5'-TCAACCGCAGCATACTAACTAAAGATGTATATTTTGCTTCAACAGCTTATCACTGCAAGT[G>A]TGTAGACCCTTGGCTAACTAAAACCAAAAAAACCTGTCCAGTGTGCAAGCAAAAAGTTGT-3'
Protein context (NP_899237.1, residues 256-276): LPCSHAYHCK[Cys266Tyr]VDPWLTKTKK

ClinVar aggregate classification (germline): Uncertain significance (1 of 4 stars; one submission).

Submission:

Labcorp Genetics (formerly Invitae), Labcorp
Classification: Uncertain significance. Last evaluated: 2024-07-29. Review status: criteria provided, single submitter. Criteria: Invitae Variant Classification Sherloc (09022015). Collection method: clinical testing. Allele origin: germline.
Comment: This sequence change replaces cysteine, which is neutral and slightly polar, with tyrosine, which is neutral and polar, at codon 266 of the RNF13 protein (p.Cys266Tyr). This variant is not present in population databases (gnomAD no frequency). This variant has not been reported in the literature in individuals affected with RNF13-related conditions. Advanced modeling of protein sequence and biophysical properties (such as structural, functional, and spatial information, amino acid conservation, physicochemical variation, residue mobility, and thermodynamic stability) performed at Invitae indicates that this missense variant is expected to disrupt RNF13 protein function with a positive predictive value of 80%. In summary, the available evidence is currently insufficient to determine the role of this variant in disease. Therefore, it has been classified as a Variant of Uncertain Significance.